The following is an entry in ClinVar:

NM_001035.3(RYR2):c.13489C>T (p.Arg4497Cys)

Gene: RYR2 (ryanodine receptor 2; plus strand). Cytogenetic location: 1q43.
Variant type: single nucleotide variant.
Coding change: c.13489C>T on transcript NM_001035.3 (MANE Select); coding-DNA position 13489, C replaced by T.
Protein change: p.Arg4497Cys; replaces arginine 4497 with cysteine.
Molecular consequence: missense variant.
Genome position (GRCh38, 1-based): chr1:237,791,441, C>T. VCF-style: chr1-237791441-C-T. GRCh37 (hg19) VCF-style: chr1-237954741-C-T.
Other names: c.13489C>T, p.Arg4497Cys (LRG_402t1); short protein forms R4497C.
Identifiers: ClinVar variation 12957 (VCV000012957.29), dbSNP rs121918600, ClinGen allele CA007921.

ClinVar aggregate classification (germline): Pathogenic. Review status: criteria provided, multiple submitters, no conflicts (2 of 4 stars). 7 submissions from 7 submitters: Pathogenic (5). 2 of the submissions do not count toward it. Last evaluated 2024-11-25.

Conditions:
Cardiovascular phenotype. Identifiers: MedGen CN230736.
Cardiomyopathy (CMYO). Also called: Cardiomyopathies. Identifiers: Orphanet 167848, MedGen C0878544, MONDO:0004994, HP:0001638. Inheritance: Various modes of inheritance.
Catecholaminergic polymorphic ventricular tachycardia 1. Also called: VENTRICULAR TACHYCARDIA, STRESS-INDUCED POLYMORPHIC 1; VENTRICULAR TACHYCARDIA, CATECHOLAMINERGIC POLYMORPHIC, 1, WITH OR WITHOUT ATRIAL DYSFUNCTION AND/OR DILATED CARDIOMYOPATHY; RYR2-Related Catecholaminergic Polymorphic Ventricular Tachycardia. Identifiers: Orphanet 3286, MedGen C1631597, MONDO:0011484, OMIM 604772.

Allele frequency attached by ClinVar (database versions not stated): gnomAD exomes below 0.00001.
gnomAD v4.1: 3 of 1,570,344 alleles (0.00019%); highest among the groups gnomAD compares: Admixed American, 0.0018%; no homozygotes.

Submissions (7):

Ambry Genetics
Classification: Pathogenic for Cardiovascular phenotype. Last evaluated: 2024-11-25. Review status: criteria provided, single submitter. Criteria: Ambry Variant Classification Scheme 2023. Collection method: clinical testing. Allele origin: germline.
Comment: The p.R4497C pathogenic mutation (also known as c.13489C>T), located in coding exon 93 of the RYR2 gene, results from a C to T substitution at nucleotide position 13489. The arginine at codon 4497 is replaced by cysteine, an amino acid with highly dissimilar properties. This variant was reported in individual(s) with features consistent with catecholaminergic polymorphic ventricular tachycardia (CPVT), was determined to be de novo in at least one individual, and segregated with disease in at least one family (Priori SG et al. Circulation 2001 Jan;10(2):196-200; Priori et al. Circulation 2002 Jul;113(7):829-40; Kawata H et al. Circ. J. 2016 Aug;80(9):1907-15). In multiple assays testing RYR2 function, this variant (studied mouse equivalent p.R4496C) showed functionally abnormal results and recapitulated CPVT phenotype (George CH et al. Circ. Res. 2003 Sept;93(6):531-40; Wehrens XH et al. Cell 2003 Jun;113(7):829-40; Cerrone M et al. Circ. Res. 2005 May;96(10):e77-82; Jiang D et al. Circ. Res. 2005 Nov;97(11):1173-81; Zissimopoulos S et al. Biochem. J. 2009 Apr;419(2):273-8). This amino acid position is highly conserved in available vertebrate species. In addition, this alteration is predicted to be deleterious by in silico analysis. This variant is considered to be rare based on population cohorts in the Genome Aggregation Database (gnomAD). Based on the supporting evidence, this variant is interpreted as a disease-causing mutation.

Labcorp Genetics (formerly Invitae), Labcorp
Classification: Pathogenic for Catecholaminergic polymorphic ventricular tachycardia 1. Last evaluated: 2023-10-11. Review status: criteria provided, single submitter. Criteria: Invitae Variant Classification Sherloc (09022015). Collection method: clinical testing. Allele origin: germline.
Comment: This sequence change replaces arginine, which is basic and polar, with cysteine, which is neutral and slightly polar, at codon 4497 of the RYR2 protein (p.Arg4497Cys). This variant is not present in population databases (gnomAD no frequency). This missense change has been observed in individuals with autosomal dominant RYR2-related conditions (PMID: 11208676, 12093772, 15544015, 29434162, 29453246; Invitae). It has also been observed to segregate with disease in related individuals. ClinVar contains an entry for this variant (Variation ID: 12957). Advanced modeling of protein sequence and biophysical properties (such as structural, functional, and spatial information, amino acid conservation, physicochemical variation, residue mobility, and thermodynamic stability) performed at Invitae indicates that this missense variant is expected to disrupt RYR2 protein function. Experimental studies have shown that this missense change affects RYR2 function (PMID: 12169647, 12837242, 12919952, 15890976, 16339485, 20080988, 20538074, 26666913). For these reasons, this variant has been classified as Pathogenic.

Mayo Clinic Laboratories, Mayo Clinic
Classification: Pathogenic. Last evaluated: 2022-08-03. Review status: criteria provided, single submitter. Criteria: ACMG Guidelines, 2015. Collection method: clinical testing. Allele origin: germline. Observed: 1 variant allele.
Comment: PP1_moderate, PP2, PP3, PM2_supporting, PS3, PS4

GeneDx
Classification: Pathogenic. Last evaluated: 2022-01-12. Review status: criteria provided, single submitter. Criteria: GeneDx Variant Classification Process June 2021. Collection method: clinical testing. Allele origin: germline. Affected: yes.
Comment: Not observed at significant frequency in large population cohorts (gnomAD); Published functional studies demonstrate a damaging effect as this variant results in channel dysfunction leading to arrhythmia (Jiang et al., 2002; Wehrens et al., 2003); Multiple other studies have utilized mouse models carrying the RYR2 R4496C variant (equivalent to R4497C human variant) to demonstrate that R4496C results in an increased propensity for triggered arrhythmia (Cerrone et al., 2005; Liu et al., 2006; Sedej et al., 2010); Reported in ClinVar (ClinVar Variant ID# 12957; ClinVar); In silico analysis supports that this missense variant has a deleterious effect on protein structure/function; Located in one of the three hot-spot regions of the RYR2 gene, where the majority of pathogenic missense variants occur (Medeiros-Domingo et al., 2009); This variant is associated with the following publications: (PMID: 19926015, 11208676, 19226252, 24025405, 27452199, 16828071, 15544015, 18006488, 12169647, 20080988, 16339485, 12919952, 16825580, 21742998, 16239587, 12093772, 29453246, 31737537, 12837242, 15890976, 29434162)

CHEO Genetics Diagnostic Laboratory, Children's Hospital of Eastern Ontario
Classification: Pathogenic for Cardiomyopathy. Last evaluated: 2021-07-19. Review status: criteria provided, single submitter. Criteria: ACMG Guidelines, 2015. Collection method: clinical testing. Allele origin: germline.

OMIM
Classification: Pathogenic for VENTRICULAR TACHYCARDIA, CATECHOLAMINERGIC POLYMORPHIC, 1. Last evaluated: 2001-01-16. Review status: no assertion criteria provided. Collection method: literature only. Allele origin: germline. Not counted in ClinVar's aggregate classification.

GeneReviews
No classification provided. Condition: Catecholaminergic polymorphic ventricular tachycardia 1. Review status: no classification provided. Collection method: literature only. Allele origin: unknown. Not counted in ClinVar's aggregate classification.

Literature cited by the submitters: PubMed 12093772 (cited by 3 submitters); PubMed 12837242 (cited by 3 submitters); PubMed 12919952 (cited by 3 submitters); PubMed 15890976 (cited by 3 submitters); PubMed 16239587 (cited by Ambry Genetics); PubMed 19226252 (cited by Ambry Genetics); PubMed 27452199 (cited by Ambry Genetics and Mayo Clinic Laboratories, Mayo Clinic); PubMed 28620067 (cited by Ambry Genetics); PubMed 11208676 (cited by 3 submitters); PubMed 15544015 (cited by Labcorp Genetics (formerly Invitae), Labcorp and Mayo Clinic Laboratories, Mayo Clinic); PubMed 29434162 (cited by Labcorp Genetics (formerly Invitae), Labcorp and Mayo Clinic Laboratories, Mayo Clinic); PubMed 29453246 (cited by Labcorp Genetics (formerly Invitae), Labcorp and Mayo Clinic Laboratories, Mayo Clinic); PubMed 12169647 (cited by Labcorp Genetics (formerly Invitae), Labcorp and Mayo Clinic Laboratories, Mayo Clinic); PubMed 16339485 (cited by Labcorp Genetics (formerly Invitae), Labcorp and Mayo Clinic Laboratories, Mayo Clinic); PubMed 20080988 (cited by Labcorp Genetics (formerly Invitae), Labcorp and Mayo Clinic Laboratories, Mayo Clinic); PubMed 20538074 (cited by Labcorp Genetics (formerly Invitae), Labcorp); PubMed 26666913 (cited by Labcorp Genetics (formerly Invitae), Labcorp); PubMed 16825580 (cited by Mayo Clinic Laboratories, Mayo Clinic); PubMed 21742998 (cited by Mayo Clinic Laboratories, Mayo Clinic); PubMed 31737537 (cited by Mayo Clinic Laboratories, Mayo Clinic); PubMed 21454795 (cited by GeneReviews); PubMed 20301466 (cited by GeneReviews); NCBI Bookshelf NBK1289 (cited by GeneReviews).